The following is an entry in ClinVar:

NM_001378328.1(CELSR1):c.5469C>T (p.Val1823=)

Gene: CELSR1 (cadherin EGF LAG seven-pass G-type receptor 1; minus strand). Cytogenetic location: 22q13.31.
Variant type: single nucleotide variant.
Coding change: c.5469C>T on transcript NM_001378328.1 (MANE Select); coding-DNA position 5469, C replaced by T.
Protein change: p.Val1823=; no amino-acid change (valine 1823 retained).
Molecular consequence: synonymous variant.
Genome position (GRCh38, 1-based): chr22:46,398,581, G>A on the plus strand (C>T on the coding strand, the complement: CELSR1 is on the minus strand). VCF-style: chr22-46398581-G-A. GRCh37 (hg19) VCF-style: chr22-46794478-G-A.
Other names: c.5469C>T, p.Val1823= (NM_014246.4).
Identifiers: ClinVar variation 714841 (VCV000714841.6), dbSNP rs139862104, ClinGen allele CA10294240.

ClinVar aggregate classification (germline): Likely benign. Review status: criteria provided, multiple submitters, no conflicts (2 of 4 stars). 3 submissions from 3 submitters: Likely benign (2). 1 of the submissions does not count toward it. Last evaluated 2022-11-15.

Conditions:
CELSR1-related disorder. Also called: CELSR1-related condition.

Allele frequency attached by ClinVar (database versions not stated): gnomAD exomes 0.00005 and 0.00010; ESP Exome Variant Server 0.00008; ExAC 0.00011; TOPMed 0.00013; gnomAD 0.00014 and 0.00015; 1000 Genomes Project 0.00060; 1000 Genomes Project 30x 0.00094.
gnomAD v4.1: 92 of 1,613,508 alleles (0.0057%); highest among the groups gnomAD compares: African/African-American, 0.029%; no homozygotes.

Submissions (3):

Blueprint Genetics
Classification: Likely benign. Last evaluated: 2022-11-15. Review status: criteria provided, single submitter. Criteria: ACMG Guidelines, 2015. Collection method: clinical testing. Allele origin: germline.

Labcorp Genetics (formerly Invitae), Labcorp
Classification: Likely benign. Last evaluated: 2017-08-08. Review status: criteria provided, single submitter. Criteria: Invitae Variant Classification Sherloc (09022015). Collection method: clinical testing. Allele origin: germline.

PreventionGenetics, part of Exact Sciences
Classification: Likely benign for CELSR1-related condition. Last evaluated: 2019-03-25. Review status: no assertion criteria provided. Collection method: clinical testing. Allele origin: germline. Not counted in ClinVar's aggregate classification.
Comment: This variant is classified as likely benign based on ACMG/AMP sequence variant interpretation guidelines (Richards et al. 2015 PMID: 25741868, with internal and published modifications).